The following is an entry in ClinVar:

ClinVar aggregate classification (germline): Conflicting classifications of pathogenicity. Review status: criteria provided, conflicting classifications (1 of 4 stars). 3 submissions from 3 submitters: Uncertain significance (2); Benign (1). Last evaluated 2025-07-18.

Conditions:
Hereditary cancer-predisposing syndrome. Also called: Tumor predisposition; Hereditary Cancer Syndrome; Neoplastic Syndromes, Hereditary; Hereditary neoplastic syndrome. Identifiers: Orphanet 140162, MedGen C0027672, MeSH D009386, MONDO:0015356.
BAP1-related tumor predisposition syndrome (TPDS1). Also called: Tumor susceptibility linked to germline BAP1 mutations; BAP1 tumor predisposition syndrome; COMMON Syndrome; TUMOR PREDISPOSITION SYNDROME 1. Identifiers: Orphanet 289539, MedGen C3280492, MONDO:0013692, OMIM 614327.

Submissions (3):

Ambry Genetics
Classification: Benign for Hereditary cancer-predisposing syndrome. Last evaluated: 2025-07-18. Review status: criteria provided, single submitter. Criteria: Ambry Variant Classification Scheme 2023. Collection method: clinical testing. Allele origin: germline.

Labcorp Genetics (formerly Invitae), Labcorp
Classification: Uncertain significance for BAP1-related tumor predisposition syndrome. Last evaluated: 2025-07-14. Review status: criteria provided, single submitter. Criteria: Invitae Variant Classification Sherloc (09022015). Collection method: clinical testing. Allele origin: germline.
Comment: This sequence change replaces glutamic acid, which is acidic and polar, with glutamine, which is neutral and polar, at codon 297 of the BAP1 protein (p.Glu297Gln). This variant is not present in population databases (gnomAD no frequency). This variant has not been reported in the literature in individuals affected with BAP1-related conditions. ClinVar contains an entry for this variant (Variation ID: 822799). An algorithm developed to predict the effect of missense changes on protein structure and function (PolyPhen-2) suggests that this variant is likely to be tolerated. In summary, the available evidence is currently insufficient to determine the role of this variant in disease. Therefore, it has been classified as a Variant of Uncertain Significance.

Color Diagnostics, LLC DBA Color Health
Classification: Uncertain significance for Hereditary cancer-predisposing syndrome. Last evaluated: 2024-03-06. Review status: criteria provided, single submitter. Criteria: ACMG Guidelines, 2015. Collection method: clinical testing. Allele origin: germline.
Comment: This missense variant replaces glutamic acid with glutamine at codon 297 of the BAP1 protein. Computational prediction suggests that this variant may not impact protein structure and function (internally defined REVEL score threshold <= 0.5, PMID: 27666373). To our knowledge, functional studies have not been reported for this variant. This variant has not been reported in individuals affected with BAP1-related disorders in the literature. This variant has not been identified in the general population by the Genome Aggregation Database (gnomAD). The available evidence is insufficient to determine the role of this variant in disease conclusively. Therefore, this variant is classified as a Variant of Uncertain Significance.

Literature cited by the submitters: PubMed 38969833 (cited by Ambry Genetics).

NM_004656.4(BAP1):c.889G>C (p.Glu297Gln)

Gene: BAP1 (BRCA1 associated deubiquitinase 1; minus strand). Cytogenetic location: 3p21.1.
Variant type: single nucleotide variant.
Coding change: c.889G>C on transcript NM_004656.4 (MANE Select); coding-DNA position 889, G replaced by C.
Protein change: p.Glu297Gln; replaces glutamic acid 297 with glutamine.
Molecular consequence: missense variant.
Genome position (GRCh38, 1-based): chr3:52,405,807, C>G on the plus strand (G>C on the coding strand, the complement: BAP1 is on the minus strand). VCF-style: chr3-52405807-C-G. GRCh37 (hg19) VCF-style: chr3-52439823-C-G.
Other names: short protein forms E297Q.
Identifiers: ClinVar variation 822799 (VCV000822799.13), dbSNP rs1578224345, ClinGen allele CA353106639.
Genomic context (GRCh38, chr3:52,405,807, plus strand): 5'-TCCCAAACCCCCCAGTACCTGTGTGGTTGCCCTCAGAGGCTGCAGGGGCCCTGTTTGCTT[C>G]CAGCACCAGCGGGGACTTGTTGCTGGCTGACTTGGACTCCTCAGGCAGCTGTGACTCTTG-3'
Protein context (NP_004647.1, residues 287-307): SASNKSPLVL[Glu297Gln]ANRAPAASEG